The following is an entry in ClinVar:

ClinVar aggregate classification (germline): Uncertain significance (1 of 4 stars; one submission).

Conditions:
Familial acute necrotizing encephalopathy (IIAE3). Also called: ENCEPHALOPATHY, ACUTE, INFECTION-INDUCED, SUSCEPTIBILITY TO, 3; Susceptibility to Acute Necrotizing Encephalopathy 1. Identifiers: Orphanet 88619, MedGen C2675556, MONDO:0011953, OMIM 608033.

Submission:

Labcorp Genetics (formerly Invitae), Labcorp
Classification: Uncertain significance for Familial acute necrotizing encephalopathy. Last evaluated: 2021-08-16. Review status: criteria provided, single submitter. Criteria: Invitae Variant Classification Sherloc (09022015). Collection method: clinical testing. Allele origin: germline.
Comment: This variant is a gross deletion of the genomic region encompassing exon(s) 10-12 of the RANBP2 gene. This deletion is out-of-frame, and is expected to create a premature translational stop signal and result in an absent or disrupted protein product. However, the current clinical and genetic evidence is not sufficient to establish whether loss-of-function variants in RANBP2 cause disease. This variant has not been reported in the literature in individuals affected with RANBP2-related conditions. In summary, the available evidence is currently insufficient to determine the role of this variant in disease. Therefore, it has been classified as a Variant of Uncertain Significance.

NC_000002.11:g.(?_109367700)_(109368470_?)del

Gene: RANBP2 (RAN binding protein 2; plus strand). Cytogenetic location: 2q12.3.
Variant type: Deletion.
Identifiers: ClinVar variation 1400827 (VCV001400827.5).